The following is an entry in ClinVar:

NM_004706.4(ARHGEF1):c.1513G>C (p.Gly505Arg)

Gene: ARHGEF1 (Rho guanine nucleotide exchange factor 1; plus strand). Cytogenetic location: 19q13.2.
Variant type: single nucleotide variant.
Coding change: c.1513G>C on transcript NM_004706.4 (MANE Select); coding-DNA position 1513, G replaced by C.
Protein change: p.Gly505Arg; replaces glycine 505 with arginine.
Molecular consequence: missense variant. On other transcripts: non-coding transcript variant (2).
Genome position (GRCh38, 1-based): chr19:41,902,548, G>C. VCF-style: chr19-41902548-G-C. GRCh37 (hg19) VCF-style: chr19-42406698-G-C.
Other names: c.1681G>C, p.Gly561Arg (NM_001396000.1); c.1414G>C, p.Gly472Arg (NM_001396002.1, NM_001396004.1, NM_198977.2); c.1513G>C, p.Gly505Arg (NM_001396003.1, NM_001396006.1); c.1558G>C, p.Gly520Arg (NM_199002.2); short protein forms G472R, G520R, G561R, G505R.
Identifiers: ClinVar variation 3640848 (VCV003640848.2).

ClinVar aggregate classification (germline): Uncertain significance (1 of 4 stars; one submission).

Submission:

Labcorp Genetics (formerly Invitae), Labcorp
Classification: Uncertain significance. Last evaluated: 2024-02-14. Review status: criteria provided, single submitter. Criteria: Invitae Variant Classification Sherloc (09022015). Collection method: clinical testing. Allele origin: germline.
Comment: This sequence change replaces glycine, which is neutral and non-polar, with arginine, which is basic and polar, at codon 520 of the ARHGEF1 protein (p.Gly520Arg). This variant is not present in population databases (gnomAD no frequency). This variant has not been reported in the literature in individuals affected with ARHGEF1-related conditions. Algorithms developed to predict the effect of missense changes on protein structure and function output the following: SIFT: "Not Available"; PolyPhen-2: "Probably Damaging"; Align-GVGD: "Not Available". The arginine amino acid residue is found in multiple mammalian species, which suggests that this missense change does not adversely affect protein function. In summary, the available evidence is currently insufficient to determine the role of this variant in disease. Therefore, it has been classified as a Variant of Uncertain Significance.